The following is an entry in ClinVar:

NM_000169.3(GLA):c.648T>A (p.Tyr216Ter)

Genes: GLA (galactosidase alpha; minus strand), RPL36A-HNRNPH2 (RPL36A-HNRNPH2 readthrough; plus strand). Cytogenetic location: Xq22.1.
Variant type: single nucleotide variant.
Coding change: c.648T>A on transcript NM_000169.3 (MANE Select); coding-DNA position 648, T replaced by A.
Protein change: p.Tyr216Ter; replaces tyrosine 216 with a stop codon.
Molecular consequence: nonsense. On other transcripts: non-coding transcript variant (3), intron variant (2).
Genome position (GRCh38, 1-based): chrX:101,398,938, A>T on the plus strand (T>A on the coding strand, the complement: GLA is on the minus strand). VCF-style: chrX-101398938-A-T. GRCh37 (hg19) VCF-style: chrX-100653926-A-T.
Other names: c.771T>A, p.Tyr257Ter (NM_001406747.1); c.648T>A, p.Tyr216Ter (NM_001406748.1); c.300+3481A>T (NM_001199973.2); c.177+7116A>T (NM_001199974.2); short protein forms Y216*, Y257*.
Identifiers: ClinVar variation 4087172 (VCV004087172.2), dbSNP rs869312377.

ClinVar aggregate classification (germline): Pathogenic (1 of 4 stars; one submission).

Conditions:
Fabry disease. Also called: ALPHA-GALACTOSIDASE A DEFICIENCY; ANDERSON-FABRY DISEASE; CERAMIDE TRIHEXOSIDASE DEFICIENCY; GLA DEFICIENCY; HEREDITARY DYSTOPIC LIPIDOSIS; Angiokeratoma corporis diffusum. Identifiers: Orphanet 324, MedGen C0002986, MONDO:0010526, OMIM 301500, HP:0001071. Disease mechanism: Fabry disease is due to inactivating mutations in the X-linked GLA gene resulting in deficiency of the enzyme Alpha Galactosidase-A., loss of function.

Submission:

Genomenon, Inc
Classification: Pathogenic for Fabry disease. Last evaluated: 2026-09-08. Review status: criteria provided, single submitter. Criteria: Genomenon Sequence Variant Interpretation Standards - Updated. Collection method: curation. Allele origin: germline. Affected: yes.
Comment: GLA p.Tyr216Ter (c.648T>A) is a nonsense variant that introduces a premature stop codon at amino acid position 216 and is predicted to result in a truncated or absent protein product. This variant has been observed in at least one proband with clinical features consistent with Fabry disease (PMID:35971858;31649303;38304433;39980015). Functional or patient cell studies have been reported (PMID:31649303). It is absent or not present at a significant frequency in gnomAD. In conclusion, we classify GLA p.Tyr216Ter (c.648T>A) as a pathogenic variant.

Literature cited by the submitters: PubMed 35971858; PubMed 31649303; PubMed 38304433; PubMed 39980015.